The following is an entry in ClinVar:

ClinVar aggregate classification (germline): Pathogenic (1 of 4 stars; one submission).

Conditions:
Chromosome 2q32-q33 deletion syndrome (GLASS). Also called: Glass syndrome; 2q33.1 deletion syndrome. Identifiers: Orphanet 251019, MedGen C2676739, MONDO:0012864, OMIM 612313.

Submission:

3billion
Classification: Pathogenic for Chromosome 2q32-q33 deletion syndrome. Last evaluated: 2021-10-02. Review status: criteria provided, single submitter. Criteria: ACMG Guidelines, 2015. Collection method: clinical testing. Allele origin: germline. Affected: yes. Observed: 1 heterozygote.
Comment: Frameshift: predicted to result in a loss or disruption of normal protein function through nonsense-mediated decay (NMD) or protein truncation. Multiple pathogenic variants are reported downstream of the variant (PVS1_VS). The variant was observed as assumed (i.e. paternity and maternity not confirmed) de novoo (3billion dataset, PM6). It is not observed in the gnomAD v2.1.1 dataset (PM2). Therefore, this variant is classified as pathogenic according to the recommendation of ACMG/AMP guideline.

NM_001172509.2(SATB2):c.150del (p.Val51fs)

Gene: SATB2 (SATB homeobox 2; minus strand). Cytogenetic location: 2q33.1.
Variant type: Deletion.
Coding change: c.150del on transcript NM_001172509.2 (MANE Select); coding-DNA position 150, one base deleted (C; older notation c.150delC).
Protein change: p.Val51fs; shifts the reading frame from valine 51.
Molecular consequence: frameshift variant. On other transcripts: non-coding transcript variant (1).
Genome position (GRCh38, 1-based): chr2:199,455,888, G deleted on the plus strand (C on the coding strand, the reverse complement: SATB2 is on the minus strand); the first of 2 consecutive G bases (chr2:199,455,888-199,455,889); deleting either gives the same sequence. VCF-style (leftmost placement, unchanged base first): chr2-199455887-CG-C. GRCh37 (hg19) VCF-style: chr2-200320610-CG-C.
Other names: c.150del, p.Val51fs (NM_001172517.1, NM_015265.4); short protein forms V51fs.
Identifiers: ClinVar variation 1320122 (VCV001320122.1), dbSNP rs2105957137, ClinGen allele CA2573051832.